The following is an entry in ClinVar:

NM_001024845.3(SLC6A9):c.31-805G>A

Gene: SLC6A9 (solute carrier family 6 member 9; minus strand). Cytogenetic location: 1p34.1.
Variant type: single nucleotide variant.
Coding change: c.31-805G>A on transcript NM_001024845.3 (MANE Select); 805 bases into the intron before coding-DNA position 31, G replaced by A.
Molecular consequence: intron variant. On other transcripts: synonymous variant (1).
Genome position (GRCh38, 1-based): chr1:44,011,687, C>T on the plus strand (G>A on the coding strand, the complement: SLC6A9 is on the minus strand). VCF-style: chr1-44011687-C-T. GRCh37 (hg19) VCF-style: chr1-44477359-C-T.
Other names: c.123G>A, p.Leu41= (NM_201649.4); c.-14-3064G>A (NM_001328630.2, NM_001328626.2); c.31-805G>A (NM_001328629.1); c.125-3064G>A (NM_001328628.1); c.125-1591G>A (NM_001328627.1); c.88-805G>A (NM_001261380.2, NM_006934.4).
Identifiers: ClinVar variation 2638766 (VCV002638766.24), dbSNP rs772994939, ClinGen allele CA817938.

ClinVar aggregate classification (germline): Likely benign (1 of 4 stars; one submission).

Allele frequency attached by ClinVar (database versions not stated): gnomAD 0.00002; gnomAD exomes 0.00002; TOPMed 0.00002; ExAC 0.00005.
gnomAD v4.1: 29 of 1,613,860 alleles (0.0018%); highest among the groups gnomAD compares: Non-Finnish European, 0.0025%; no homozygotes.

Submission:

CeGaT Center for Human Genetics Tuebingen
Classification: Likely benign. Last evaluated: 2023-04-01. Review status: criteria provided, single submitter. Criteria: CeGaT Center For Human Genetics Tuebingen Variant Classification Criteria Version 2. Collection method: clinical testing. Allele origin: germline. Affected: yes. Observed: 1 variant allele.
Comment: SLC6A9: BP4, BP7